The following is an entry in ClinVar:

NM_019074.4(DLL4):c.1716G>A (p.Ser572=)

Gene: DLL4 (delta like canonical Notch ligand 4; plus strand). Cytogenetic location: 15q15.1.
Variant type: single nucleotide variant.
Coding change: c.1716G>A on transcript NM_019074.4 (MANE Select); coding-DNA position 1716, G replaced by A.
Protein change: p.Ser572=; no amino-acid change (serine 572 retained).
Molecular consequence: synonymous variant.
Genome position (GRCh38, 1-based): chr15:40,936,703, G>A. VCF-style: chr15-40936703-G-A. GRCh37 (hg19) VCF-style: chr15-41228901-G-A.
Identifiers: ClinVar variation 3388261 (VCV003388261.14).

ClinVar aggregate classification (germline): Likely benign (1 of 4 stars; one submission).

gnomAD v4.1: 54 of 1,613,606 alleles (0.0033%); highest among the groups gnomAD compares: South Asian, 0.015%; no homozygotes.

Submission:

CeGaT Center for Human Genetics Tuebingen
Classification: Likely benign. Last evaluated: 2024-10-01. Review status: criteria provided, single submitter. Criteria: CeGaT Center For Human Genetics Tuebingen Variant Classification Criteria Version 2. Collection method: clinical testing. Allele origin: germline. Affected: yes. Observed: 1 variant allele.
Comment: DLL4: BP4, BP7